The following is an entry in ClinVar:

NM_001142800.2(EYS):c.6064_6065dup (p.Gly2023fs)

Gene: EYS (EGF-like photoreceptor maintenance factor; minus strand). Cytogenetic location: 6q12.
Variant type: Duplication.
Coding change: c.6064_6065dup on transcript NM_001142800.2 (MANE Select); coding-DNA positions 6064 to 6065, 2 bases duplicated (CA; older notation c.6064_6065dupCA).
Protein change: p.Gly2023fs; shifts the reading frame from glycine 2023.
Molecular consequence: frameshift variant.
Genome position (GRCh38, 1-based): chr6:64,388,703-64,388,704, TG duplicated on the plus strand (CA on the coding strand, the reverse complement: EYS is on the minus strand). VCF-style (leftmost placement, unchanged base first): chr6-64388702-A-ATG. GRCh37 (hg19) VCF-style: chr6-65098595-A-ATG.
Other names: c.6064_6065dup, p.Gly2023fs (NM_001292009.2); short protein forms G2023fs.
Identifiers: ClinVar variation 1399952 (VCV001399952.6), dbSNP rs2150424909, ClinGen allele CA2573141117.

ClinVar aggregate classification (germline): Pathogenic (1 of 4 stars; one submission).

Submission:

Labcorp Genetics (formerly Invitae), Labcorp
Classification: Pathogenic. Last evaluated: 2021-01-29. Review status: criteria provided, single submitter. Criteria: Invitae Variant Classification Sherloc (09022015). Collection method: clinical testing. Allele origin: germline.
Comment: This sequence change creates a premature translational stop signal (p.Gly2023Metfs*17) in the EYS gene. It is expected to result in an absent or disrupted protein product. Loss-of-function variants in EYS are known to be pathogenic (PMID: 18836446, 20333770). This variant is not present in population databases (ExAC no frequency). This variant has not been reported in the literature in individuals with EYS-related conditions. For these reasons, this variant has been classified as Pathogenic.

Literature cited by the submitters: PubMed 18836446; PubMed 20333770.